The following is an entry in ClinVar:

NM_001142800.2(EYS):c.1300-1G>T

Gene: EYS (EGF-like photoreceptor maintenance factor; minus strand). Cytogenetic location: 6q12.
Variant type: single nucleotide variant.
Coding change: c.1300-1G>T on transcript NM_001142800.2 (MANE Select); the canonical splice acceptor site of the intron before coding-DNA position 1300, G replaced by T.
Molecular consequence: splice acceptor variant.
Genome position (GRCh38, 1-based): chr6:65,353,618, C>A on the plus strand (G>T on the coding strand, the complement: EYS is on the minus strand). VCF-style: chr6-65353618-C-A. GRCh37 (hg19) VCF-style: chr6-66063511-C-A.
Other names: c.1300-1G>T (NM_001292009.2, NM_001142801.2, NM_198283.2).
Identifiers: ClinVar variation 4814615 (VCV004814615.1).

ClinVar aggregate classification (germline): Likely pathogenic (1 of 4 stars; one submission).

Conditions:
Retinitis pigmentosa 25 (RP25). Identifiers: Orphanet 791, MedGen C1864446, MONDO:0011272, OMIM 602772.

Submission:

Natera, Inc.
Classification: Likely pathogenic for Retinitis pigmentosa type 25. Last evaluated: 2024-12-30. Review status: criteria provided, single submitter. Criteria: Natera Variant Classification Schema (03/2026). Collection method: clinical testing. Allele origin: germline.
Comment: The c.1300-1G>T variant in EYS is a canonical splice acceptor site variant predicted to affect pre-mRNA splicing, which may result in an abnormal transcript and altered protein product. This variant is expected to result in nonsense mediated decay, truncation, or a dysfunctional protein product. This variant is rare in the general population with a frequency below the threshold expected for the associated phenotype(s). Given the available evidence, this variant is classified as Likely Pathogenic.